The following is an entry in ClinVar:

ClinVar aggregate classification (germline): Uncertain significance (1 of 4 stars; one submission).

Allele frequency attached by ClinVar (database versions not stated): ExAC 0.00001; gnomAD exomes 0.00001; TOPMed 0.00001; gnomAD 0.00001.
gnomAD v4.1: 12 of 1,605,810 alleles (0.00075%); highest among the groups gnomAD compares: East Asian, 0.0022%; no homozygotes.

Submission:

Labcorp Genetics (formerly Invitae), Labcorp
Classification: Uncertain significance. Last evaluated: 2025-05-11. Review status: criteria provided, single submitter. Criteria: Invitae Variant Classification Sherloc (09022015). Collection method: clinical testing. Allele origin: germline.
Comment: This sequence change replaces isoleucine, which is neutral and non-polar, with valine, which is neutral and non-polar, at codon 407 of the SPPL2A protein (p.Ile407Val). This variant is present in population databases (rs759339570, gnomAD 0.004%). This variant has not been reported in the literature in individuals affected with SPPL2A-related conditions. ClinVar contains an entry for this variant (Variation ID: 1972038). An algorithm developed to predict the effect of missense changes on protein structure and function outputs the following: PolyPhen-2: "Benign". The valine amino acid residue is found in multiple mammalian species, which suggests that this missense change does not adversely affect protein function. In summary, the available evidence is currently insufficient to determine the role of this variant in disease. Therefore, it has been classified as a Variant of Uncertain Significance.

NM_032802.4(SPPL2A):c.1219A>G (p.Ile407Val)

Gene: SPPL2A (signal peptide peptidase like 2A; minus strand). Cytogenetic location: 15q21.2.
Variant type: single nucleotide variant.
Coding change: c.1219A>G on transcript NM_032802.4 (MANE Select); coding-DNA position 1219, A replaced by G.
Protein change: p.Ile407Val; replaces isoleucine 407 with valine.
Molecular consequence: missense variant.
Genome position (GRCh38, 1-based): chr15:50,725,251, T>C on the plus strand (A>G on the coding strand, the complement: SPPL2A is on the minus strand). VCF-style: chr15-50725251-T-C. GRCh37 (hg19) VCF-style: chr15-51017448-T-C.
Other names: short protein forms I407V.
Identifiers: ClinVar variation 1972038 (VCV001972038.5), dbSNP rs759339570, ClinGen allele CA7558269.